The following is an entry in ClinVar:

ClinVar aggregate classification (germline): Pathogenic. Review status: reviewed by expert panel (3 of 4 stars). 3 submissions from 3 submitters: Pathogenic (1). 2 of the submissions do not count toward it. Last evaluated 2025-12-10.

Conditions:
Deficiency of guanidinoacetate methyltransferase (CCDS2). Also called: Guanidinoacetate Methyltransferase (GAMT) Deficiency; CEREBRAL CREATINE DEFICIENCY SYNDROME 2; GAMT DEFICIENCY. Identifiers: Orphanet 382, MedGen C0574080, MONDO:0012999, OMIM 612736.

gnomAD v4.1: 2 of 1,613,480 alleles (0.00012%); highest among the groups gnomAD compares: South Asian, 0.0011%; no homozygotes.

Submissions (3):

ClinGen Cerebral Creatine Deficiency Syndromes Variant Curation Expert Panel, ClinGen
Classification: Pathogenic for Deficiency of guanidinoacetate methyltransferase. Last evaluated: 2025-12-10. Review status: reviewed by expert panel. Criteria: ClinGen CCDS ACMG Specifications GAMT V2.0.0. Collection method: curation. Allele origin: germline. Inheritance: Autosomal recessive inheritance.
Comment: The NM_000156.6:c.403G>T variant in GAMT is predicted to result in the missense substitution of aspartate at amino acid 135 (p.Asp135Tyr). This variant has been identified in one individual with guanidinoacetate methyltransferase deficiency with reduced creatine peak and visible guanidinoacetate peak on brain magnetic resonance spectroscopy, and elevated plasma guanidinoacetate with low creatine, with full GAMT gene sequencing (PMID: 19027335). This individual was a reported to be compound heterozygous for the variant and another variant in GAMT that has been classified as pathogenic for GAMT deficiency by the ClinGen CCDS VCEP, c.507_521dup15 (p.Cys169_Ser173dup), (ClinVar Variation ID: 431959) in unknown phase (0.5pts) (PMID: 19027335) (PM3_Supporting). The highest population minor allele frequency in gnomAD v4.1.0. is 0.00001098 (1/91064 alleles) in the South Asian population, which is lower than the ClinGen CCDS VCEP’s threshold for PM2_Supporting (<0.0004), meeting this criterion (PM2_Supporting). The computational predictor REVEL gives a score of 0.938 which is above the threshold of 0.932, evidence that correlates with impact to GAMT function at the strong level (PMID: 36413997) (PP3_Strong). A different missense variant at the same amino acid residue, c.403G>A (p.Asp135Asn) (ClinVar Variation ID: 573140), has been classified as pathogenic by the ClinGen CCDS VCEP (PM5). There is a ClinVar entry for this variant (Variation ID: 2446459). In summary, this variant meets criteria to be classified as pathogenic for guanidinoacetate methyltransferase (GAMT) deficiency. GAMT-specific ACMG/AMP Criteria applied, as specified by the ClinGen Cerebral Creatine Deficiencies Variant Curation Expert Panel (CCDS VCEP) (Specifications version 2.0.0): PP3_Strong, PP4_Strong, PM5, PM2_Supporting, PM3_Supporting, PM5, PP3, PP4_Strong (Classification approved by the ClinGen Cerebral Creatine Deficiency Syndromes Variant Curation Expert Panel on December 10, 2025)

Natera, Inc.
Classification: Likely pathogenic for Guanidinoacetate methyltransferase deficiency. Last evaluated: 2024-05-08. Review status: criteria provided, single submitter. Criteria: Natera Variant Classification Schema (03/2026). Collection method: clinical testing. Allele origin: germline. Not counted in ClinVar's aggregate classification.
Comment: The c.403G>T variant in GAMT is a missense variant predicted to cause substitution of aspartic acid to tyrosine at amino acid 135. This variant is rare in the general population with a frequency below the threshold expected for the associated phenotype(s). This variant has been observed in one or more individuals affected with the associated recessive disease, as either homozygous or compound heterozygous with a second variant (PMID: 19027335). A different variant at the same position has been determined to be Pathogenic or Likely Pathogenic. Computational prediction algorithms indicate this variant is likely to affect gene or protein function. Given the available evidence, this variant is classified as Likely Pathogenic.

Baylor Genetics
Classification: Likely pathogenic for Deficiency of guanidinoacetate methyltransferase. Last evaluated: 2023-12-13. Review status: criteria provided, single submitter. Criteria: ACMG Guidelines, 2015. Collection method: clinical testing. Allele origin: unknown. Not counted in ClinVar's aggregate classification.

Literature cited by the submitters: PubMed 19027335 (cited by Natera, Inc.).

NM_000156.6(GAMT):c.403G>T (p.Asp135Tyr)

Gene: GAMT (guanidinoacetate N-methyltransferase; minus strand). Cytogenetic location: 19p13.3.
Variant type: single nucleotide variant.
Coding change: c.403G>T on transcript NM_000156.6 (MANE Select); coding-DNA position 403, G replaced by T.
Protein change: p.Asp135Tyr; replaces aspartic acid 135 with tyrosine.
Molecular consequence: missense variant.
Genome position (GRCh38, 1-based): chr19:1,399,184, C>A on the plus strand (G>T on the coding strand, the complement: GAMT is on the minus strand). VCF-style: chr19-1399184-C-A. GRCh37 (hg19) VCF-style: chr19-1399183-C-A.
Other names: NM_138924.3:c.403G>T; c.403G>T (NM_000156.5); c.403G>T, p.Asp135Tyr (NM_138924.3); short protein forms D135Y.
Identifiers: ClinVar variation 2446459 (VCV002446459.5), dbSNP rs774144200, ClinGen allele CA402995388.
Genomic context (GRCh38, chr19:1,399,184, plus strand): 5'-CCACCTTGATGAAGTTGAACTGGTGTGTGTGCCAGGTCTCCTCCGAGAGTGGGTACGTGT[C>A]GTACAGGATCCCTGCACGGAGAACAGAAGCCCACGCGGTCAGGGCCGGGCTCAGCGCCTC-3'
Protein context (NP_000147.1, residues 125-145): PDGHFDGILY[Asp135Tyr]TYPLSEETWH